The following is an entry in ClinVar:

NM_001135556.2(DYNC1I1):c.1879T>C (p.Ser627Pro)

Genes: DYNC1I1 (dynein cytoplasmic 1 intermediate chain 1; plus strand), LOC110121293 (eExon 17 DLX5/6 limb enhancer; plus strand). Cytogenetic location: 7q21.3.
Variant type: single nucleotide variant.
Coding change: c.1879T>C on transcript NM_001135556.2 (MANE Select); coding-DNA position 1879, T replaced by C.
Protein change: p.Ser627Pro; replaces serine 627 with proline.
Molecular consequence: missense variant. On other transcripts: intron variant (1).
Genome position (GRCh38, 1-based): chr7:96,097,585, T>C. VCF-style: chr7-96097585-T-C. GRCh37 (hg19) VCF-style: chr7-95726897-T-C.
Other names: c.1819T>C, p.Ser607Pro (NM_001135557.2); c.1870T>C, p.Ser624Pro (NM_001278421.2); c.1930T>C, p.Ser644Pro (NM_004411.5); c.1717-12394T>C (NM_001278422.2); short protein forms S644P, S607P, S624P, S627P.
Identifiers: ClinVar variation 3086444 (VCV003086444.2), dbSNP rs1170868175, ClinGen allele CA368255618.
Genomic context (GRCh38, chr7:96,097,585, plus strand): 5'-ACCCTTGTGGAAATTCGTGCTAACAGAGCTGATAGCGAGGAGGAAGGCACTGTTGAGTTA[T>C]CTGCCTAGTGGAAATGAGCCACCCCCACTGCAGCCCCCACCTTTGTGTCCTAGAGCTCAG-3'
Protein context (NP_001129028.1, residues 617-628): DSEEEGTVEL[Ser627Pro]A

ClinVar aggregate classification (germline): Uncertain significance. Review status: criteria provided, multiple submitters, no conflicts (2 of 4 stars). 2 submissions from 2 submitters: Uncertain significance (2). Last evaluated 2025-04-11.

Allele frequency attached by ClinVar (database versions not stated): gnomAD exomes below 0.00001; gnomAD 0.00001; TOPMed 0.00002.
gnomAD v4.1: 5 of 1,613,584 alleles (0.00031%); highest among the groups gnomAD compares: Admixed American, 0.0067%; no homozygotes.

Submissions (2):

Labcorp Genetics (formerly Invitae), Labcorp
Classification: Uncertain significance. Last evaluated: 2025-04-11. Review status: criteria provided, single submitter. Criteria: Invitae Variant Classification Sherloc (09022015). Collection method: clinical testing. Allele origin: germline.
Comment: This sequence change replaces serine, which is neutral and polar, with proline, which is neutral and non-polar, at codon 644 of the DYNC1I1 protein (p.Ser644Pro). This variant is present in population databases (no rsID available, gnomAD 0.003%). This variant has not been reported in the literature in individuals affected with DYNC1I1-related conditions. ClinVar contains an entry for this variant (Variation ID: 3086444). An algorithm developed to predict the effect of missense changes on protein structure and function (PolyPhen-2) suggests that this variant is likely to be tolerated. In summary, the available evidence is currently insufficient to determine the role of this variant in disease. Therefore, it has been classified as a Variant of Uncertain Significance.

Ambry Genetics
Classification: Uncertain significance. Last evaluated: 2023-12-18. Review status: criteria provided, single submitter. Criteria: Ambry Variant Classification Scheme 2023. Collection method: clinical testing. Allele origin: germline.